The following is an entry in ClinVar:

ClinVar aggregate classification (germline): Uncertain significance (1 of 4 stars; one submission).

Submission:

Labcorp Genetics (formerly Invitae), Labcorp
Classification: Uncertain significance. Last evaluated: 2022-10-17. Review status: criteria provided, single submitter. Criteria: Invitae Variant Classification Sherloc (09022015). Collection method: clinical testing. Allele origin: germline.
Comment: This variant is not present in population databases (gnomAD no frequency). This sequence change disrupts the translational stop signal of the SLC45A2 mRNA. It is expected to extend the length of the SLC45A2 protein by an uncertain number of additional amino acid residues. This variant has not been reported in the literature in individuals affected with SLC45A2-related conditions. In summary, the available evidence is currently insufficient to determine the role of this variant in disease. Therefore, it has been classified as a Variant of Uncertain Significance.

NM_016180.5(SLC45A2):c.1592A>G (p.Ter531Trp)

Gene: SLC45A2 (solute carrier family 45 member 2; minus strand). Cytogenetic location: 5p13.2.
Variant type: single nucleotide variant.
Coding change: c.1592A>G on transcript NM_016180.5 (MANE Select); coding-DNA position 1592, A replaced by G.
Protein change: p.Ter531Trp.
Molecular consequence: stop lost.
Genome position (GRCh38, 1-based): chr5:33,944,649, T>C on the plus strand (A>G on the coding strand, the complement: SLC45A2 is on the minus strand). VCF-style: chr5-33944649-T-C. GRCh37 (hg19) VCF-style: chr5-33944754-T-C.
Identifiers: ClinVar variation 2090153 (VCV002090153.4), dbSNP rs2478761315, ClinGen allele CA359386826.